The following is an entry in ClinVar:

ClinVar aggregate classification (germline): Uncertain significance. Review status: criteria provided, multiple submitters, no conflicts (2 of 4 stars). 2 submissions from 2 submitters: Uncertain significance (2). Last evaluated 2025-05-15.

Allele frequency attached by ClinVar (database versions not stated): TOPMed 0.00004; gnomAD 0.00009.
gnomAD v4.1: 69 of 1,551,652 alleles (0.0044%); highest among the groups gnomAD compares: African/African-American, 0.011%; no homozygotes.

Submissions (2):

GeneDx
Classification: Uncertain significance. Last evaluated: 2025-05-15. Review status: criteria provided, single submitter. Criteria: GeneDx Variant Classification Process June 2021. Collection method: clinical testing. Allele origin: germline.
Comment: Identified in a patient with postlingual mild-moderate symmetrical sensorineural hearing loss in published literature (PMID: 36515421); In silico analysis supports that this missense variant has a deleterious effect on protein structure/function; This variant is associated with the following publications: (PMID: 36515421)

ARUP Laboratories, Molecular Genetics and Genomics, ARUP Laboratories
Classification: Uncertain significance. Last evaluated: 2016-08-09. Review status: criteria provided, single submitter. Criteria: ARUP Molecular Germline Variant Investigation Process. Collection method: clinical testing. Allele origin: germline.

NM_001145809.2(MYH14):c.3433C>T (p.Arg1145Trp)

Gene: MYH14 (myosin heavy chain 14; plus strand). Cytogenetic location: 19q13.33.
Variant type: single nucleotide variant.
Coding change: c.3433C>T on transcript NM_001145809.2 (MANE Select); coding-DNA position 3433, C replaced by T.
Protein change: p.Arg1145Trp; replaces arginine 1145 with tryptophan.
Molecular consequence: missense variant.
Genome position (GRCh38, 1-based): chr19:50,272,697, C>T. VCF-style: chr19-50272697-C-T. GRCh37 (hg19) VCF-style: chr19-50775954-C-T.
Other names: c.3334C>T, p.Arg1112Trp (NM_001077186.2); c.3310C>T, p.Arg1104Trp (NM_024729.4); c.3310C>T (NM_024729.3); short protein forms R1145W, R1112W, R1104W.
Identifiers: ClinVar variation 439931 (VCV000439931.11), dbSNP rs773117828, ClinGen allele CA9593212.